The following is an entry in ClinVar:

NM_020297.4(ABCC9):c.3644C>A (p.Ala1215Asp)

Genes: ABCC9 (ATP binding cassette subfamily C member 9; minus strand), KCNJ8-AS1 (KCNJ8 antisense RNA 1; plus strand). Cytogenetic location: 12p12.1.
Variant type: single nucleotide variant.
Coding change: c.3644C>A on transcript NM_020297.4 (MANE Select); coding-DNA position 3644, C replaced by A.
Protein change: p.Ala1215Asp; replaces alanine 1215 with aspartic acid.
Molecular consequence: missense variant.
Genome position (GRCh38, 1-based): chr12:21,828,983, G>T on the plus strand (C>A on the coding strand, the complement: ABCC9 is on the minus strand). VCF-style: chr12-21828983-G-T. GRCh37 (hg19) VCF-style: chr12-21981917-G-T.
Other names: c.3644C>A, p.Ala1215Asp (NM_001377273.1, NM_005691.4); c.2777C>A, p.Ala926Asp (NM_001377274.1); short protein forms A1215D, A926D.
Identifiers: ClinVar variation 1311622 (VCV001311622.5), dbSNP rs960696268, ClinGen allele CA233624694.
Genomic context (GRCh38, chr12:21,828,983, plus strand): 5'-TTGGTTTCCATTTCGAAATCATGAAATGAACGTACCGTCCTGACCTCCAGCCATCTGTTG[G>T]CAGCTGAGAGAAATAAGTAGGCAATGTTGTTTGTATCCGTCAGTTCCAGCATACGTTGTT-3'
Protein context (NP_064693.2, residues 1205-1225): NNIAYLFLSA[Ala1215Asp]NRWLEVRTDY

ClinVar aggregate classification (germline): Uncertain significance. Review status: criteria provided, multiple submitters, no conflicts (2 of 4 stars). 2 submissions from 2 submitters: Uncertain significance (2). Last evaluated 2024-04-18.

Conditions:
Dilated cardiomyopathy 1O (CMD1O). Also called: CARDIOMYOPATHY, DILATED, WITH VENTRICULAR TACHYCARDIA. Identifiers: Orphanet 154, MedGen C1837839, MONDO:0012062, OMIM 608569.

Allele frequency attached by ClinVar (database versions not stated): gnomAD exomes below 0.00001; gnomAD 0.00001; TOPMed 0.00001.
gnomAD v4.1: 4 of 1,613,768 alleles (0.00025%); highest among the groups gnomAD compares: Non-Finnish European, 0.00025%; no homozygotes.

Submissions (2):

Labcorp Genetics (formerly Invitae), Labcorp
Classification: Uncertain significance for Dilated cardiomyopathy 1O. Last evaluated: 2024-04-18. Review status: criteria provided, single submitter. Criteria: Invitae Variant Classification Sherloc (09022015). Collection method: clinical testing. Allele origin: germline.
Comment: This sequence change replaces alanine, which is neutral and non-polar, with aspartic acid, which is acidic and polar, at codon 1215 of the ABCC9 protein (p.Ala1215Asp). This variant is present in population databases (no rsID available, gnomAD 0.0009%). This variant has not been reported in the literature in individuals affected with ABCC9-related conditions. ClinVar contains an entry for this variant (Variation ID: 1311622). Advanced modeling of protein sequence and biophysical properties (such as structural, functional, and spatial information, amino acid conservation, physicochemical variation, residue mobility, and thermodynamic stability) has been performed at Invitae for this missense variant, however the output from this modeling did not meet the statistical confidence thresholds required to predict the impact of this variant on ABCC9 protein function. In summary, the available evidence is currently insufficient to determine the role of this variant in disease. Therefore, it has been classified as a Variant of Uncertain Significance.

GeneDx
Classification: Uncertain significance. Last evaluated: 2020-01-02. Review status: criteria provided, single submitter. Criteria: GeneDx Variant Classification Process June 2021. Collection method: clinical testing. Allele origin: germline. Affected: yes.
Comment: Has not been previously published as pathogenic or benign to our knowledge; Not observed at a significant frequency in large population cohorts (Lek et al., 2016); In silico analysis, which includes protein predictors and evolutionary conservation, supports a deleterious effect